The following is an entry in ClinVar:

NM_004393.6(DAG1):c.735G>A (p.Pro245=)

Gene: DAG1 (dystroglycan 1; plus strand). Cytogenetic location: 3p21.31.
Variant type: single nucleotide variant.
Coding change: c.735G>A on transcript NM_004393.6 (MANE Select); coding-DNA position 735, G replaced by A.
Protein change: p.Pro245=; no amino-acid change (proline 245 retained).
Molecular consequence: synonymous variant.
Genome position (GRCh38, 1-based): chr3:49,531,246, G>A. VCF-style: chr3-49531246-G-A. GRCh37 (hg19) VCF-style: chr3-49568679-G-A.
Other names: c.735G>A, p.Pro245= (NM_001165928.4, NM_001177634.3, NM_001177635.3 and 9 more transcripts).
Identifiers: ClinVar variation 196387 (VCV000196387.40), dbSNP rs748164001, ClinGen allele CA243318.

ClinVar aggregate classification (germline): Conflicting classifications of pathogenicity. Review status: criteria provided, conflicting classifications (1 of 4 stars). 5 submissions from 5 submitters: Uncertain significance (3); Likely benign (2). Last evaluated 2026-01-30.

Conditions:
Muscular dystrophy-dystroglycanopathy (congenital with brain and eye anomalies), type A9. Also called: WALKER-WARBURG SYNDROME OR MUSCLE-EYE BRAIN DISEASE, DAG1-RELATED; Muscular dystrophy-dystroglycanopathy (congenital with brain and eye anomalies), type a, 9. Identifiers: Orphanet 370997, Orphanet 899, MedGen C4225291, MONDO:0014683, OMIM 616538.
Autosomal recessive limb-girdle muscular dystrophy type 2P. Also called: MUSCULAR DYSTROPHY-DYSTROGLYCANOPATHY, LIMB-GIRDLE, DAG1-RELATED; MUSCULAR DYSTROPHY, LIMB-GIRDLE, TYPE 2P; Limb-Girdle Muscular Dystrophy Type 9C. Identifiers: Orphanet 280333, MedGen C4511963, MONDO:0013440, OMIM 613818.

Allele frequency attached by ClinVar (database versions not stated): ExAC 0.00002; gnomAD exomes 0.00002 and 0.00004; TOPMed 0.00003; gnomAD 0.00006.
gnomAD v4.1: 64 of 1,613,932 alleles (0.004%); highest among the groups gnomAD compares: Middle Eastern, 0.13%; no homozygotes.

Submissions (5):

Labcorp Genetics (formerly Invitae), Labcorp
Classification: Likely benign for Autosomal recessive limb-girdle muscular dystrophy type 2P; Muscular dystrophy-dystroglycanopathy (congenital with brain and eye anomalies), type A9. Last evaluated: 2026-01-30. Review status: criteria provided, single submitter. Criteria: Invitae Variant Classification Sherloc (09022015). Collection method: clinical testing. Allele origin: germline.

Fulgent Genetics
Classification: Uncertain significance for Autosomal recessive limb-girdle muscular dystrophy type 2P; Muscular dystrophy-dystroglycanopathy (congenital with brain and eye anomalies), type A9. Last evaluated: 2024-05-24. Review status: criteria provided, single submitter. Criteria: ACMG Guidelines, 2015. Collection method: clinical testing. Allele origin: germline.

CeGaT Center for Human Genetics Tuebingen
Classification: Likely benign. Last evaluated: 2023-07-01. Review status: criteria provided, single submitter. Criteria: CeGaT Center For Human Genetics Tuebingen Variant Classification Criteria Version 2. Collection method: clinical testing. Allele origin: germline. Affected: yes. Observed: 1 variant allele.
Comment: DAG1: BP4, BP7

Genetic Services Laboratory, University of Chicago
Classification: Uncertain significance. Last evaluated: 2019-04-02. Review status: criteria provided, single submitter. Criteria: ACMG Guidelines, 2015. Collection method: clinical testing. Allele origin: germline. Affected: no.

Eurofins Ntd Llc (ga)
Classification: Uncertain significance. Last evaluated: 2016-06-21. Review status: criteria provided, single submitter. Criteria: EGL Classification Definitions 2015. Collection method: clinical testing. Allele origin: germline. Observed: 2 variant alleles, 2 heterozygotes.